The following is an entry in ClinVar:

ClinVar aggregate classification (germline): Pathogenic. Review status: reviewed by expert panel (3 of 4 stars). 6 submissions from 6 submitters: Pathogenic (1). 5 of the submissions do not count toward it. Last evaluated 2016-09-08.

Conditions:
Hereditary cancer-predisposing syndrome. Also called: Tumor predisposition; Neoplastic Syndromes, Hereditary; Hereditary Cancer Syndrome; Hereditary neoplastic syndrome. Identifiers: Orphanet 140162, MedGen C0027672, MeSH D009386, MONDO:0015356.
Hereditary breast ovarian cancer syndrome. Also called: Hereditary breast and ovarian cancer syndrome (HBOC); Hereditary breast and ovarian cancer syndrome; Hereditary breast and ovarian cancer; Hereditary breast and/or ovarian cancer syndrome; Breast and ovarian cancer; BRCA1- and BRCA2-Associated Hereditary Breast and Ovarian Cancer. Identifiers: Orphanet 145, MedGen C0677776, MeSH D061325, MONDO:0003582. Disease mechanism: loss of function.
Breast-ovarian cancer, familial, susceptibility to, 1 (BROVCA1). Also called: OVARIAN CANCER, SUSCEPTIBILITY TO; BRCA1 Hereditary Breast and Ovarian Cancer. Identifiers: Orphanet 145, MedGen C2676676, MONDO:0011450, OMIM 604370. Disease mechanism: loss of function.

Submissions (6):

Evidence-based Network for the Interpretation of Germline Mutant Alleles (ENIGMA)
Classification: Pathogenic for Breast-ovarian cancer, familial, susceptibility to, 1. Last evaluated: 2016-09-08. Review status: reviewed by expert panel. Criteria: ENIGMA BRCA1/2 Classification Criteria (2015). Collection method: curation. Allele origin: germline.
Comment: Variant allele predicted to encode a truncated non-functional protein.

Labcorp Genetics (formerly Invitae), Labcorp
Classification: Pathogenic for Hereditary breast ovarian cancer syndrome. Last evaluated: 2025-12-13. Review status: criteria provided, single submitter. Criteria: Invitae Variant Classification Sherloc (09022015). Collection method: clinical testing. Allele origin: germline. Not counted in ClinVar's aggregate classification.
Comment: This sequence change creates a premature translational stop signal (p.Leu1072*) in the BRCA1 gene. It is expected to result in an absent or disrupted protein product. Loss-of-function variants in BRCA1 are known to be pathogenic (PMID: 20104584). This variant is not present in population databases (gnomAD no frequency). This premature translational stop signal has been observed in individual(s) with breast and/or ovarian cancer (PMID: 22970155, 26187060). This variant is also known as 3333delC. ClinVar contains an entry for this variant (Variation ID: 54798). For these reasons, this variant has been classified as Pathogenic.

Ambry Genetics
Classification: Pathogenic for Hereditary cancer-predisposing syndrome. Last evaluated: 2023-08-28. Review status: criteria provided, single submitter. Criteria: Ambry Variant Classification Scheme 2023. Collection method: clinical testing. Allele origin: germline. Not counted in ClinVar's aggregate classification.
Comment: The c.3214delC pathogenic mutation, located in coding exon 9 of the BRCA1 gene, results from a deletion of one nucleotide at nucleotide position 3214, causing a translational frameshift with a predicted alternate stop codon (p.L1072*). This alteration has been identified in multiple Asian breast and/or ovarian cancer patients (Kwong A et al. PLoS ONE. 2012 Sep;7:e43994; Chan GHJ et al. Oncotarget. 2018 Jul;9:30649-30660; Yang XR et al. Breast Cancer Res. Treat. 2017 Oct;165:687-697; Rebbeck TR et al. Hum. Mutat. 2018 05;39:593-620; Bhaskaran SP et al. Int. J. Cancer. 2019 08;145:962-973). This variant was not reported in population-based cohorts in the Genome Aggregation Database (gnomAD). In addition to the clinical data presented in the literature, this alteration is expected to result in loss of function by premature protein truncation or nonsense-mediated mRNA decay. As such, this alteration is interpreted as a disease-causing mutation.

Color Diagnostics, LLC DBA Color Health
Classification: Pathogenic for Hereditary cancer-predisposing syndrome. Last evaluated: 2020-04-13. Review status: criteria provided, single submitter. Criteria: ACMG Guidelines, 2015. Collection method: clinical testing. Allele origin: germline. Not counted in ClinVar's aggregate classification.
Comment: This variant deletes 1 nucleotide in exon 10 of the BRCA1 gene, creating a frameshift and premature translation stop signal. This variant is expected to result in an absent or non-functional protein product. This variant has been reported in individuals affected with breast and/or ovarian cancer in the literature (PMID: 22970155, 28664506, 31481248). This variant has not been identified in the general population by the Genome Aggregation Database (gnomAD). Loss of BRCA1 function is a known mechanism of disease. Based on the available evidence, this variant is classified as Pathogenic.

Consortium of Investigators of Modifiers of BRCA1/2 (CIMBA), c/o University of Cambridge
Classification: Pathogenic for Breast-ovarian cancer, familial, susceptibility to, 1. Last evaluated: 2015-10-02. Review status: criteria provided, single submitter. Criteria: CIMBA Mutation Classification guidelines May 2016. Collection method: clinical testing. Allele origin: germline. Not counted in ClinVar's aggregate classification.

Breast Cancer Information Core (BIC) (BRCA1)
No classification provided. Condition: Breast-ovarian cancer, familial 1. Review status: no classification provided. Collection method: clinical testing. Allele origin: germline, somatic. Affected: yes. Observed: 3 variant alleles. Not counted in ClinVar's aggregate classification.

Literature cited by the submitters: PubMed 20104584 (cited by Labcorp Genetics (formerly Invitae), Labcorp); PubMed 22970155 (cited by Labcorp Genetics (formerly Invitae), Labcorp and Ambry Genetics); PubMed 26187060 (cited by Labcorp Genetics (formerly Invitae), Labcorp); PubMed 28664506 (cited by Ambry Genetics); PubMed 29446198 (cited by Ambry Genetics); PubMed 30093976 (cited by Ambry Genetics); PubMed 30702160 (cited by Ambry Genetics).

NM_007294.4(BRCA1):c.3214del (p.Glu1071_Leu1072insTer)

Genes: BRCA1 (BRCA1 DNA repair associated; minus strand), LOC126862571 (BRD4-independent group 4 enhancer GRCh37_chr17:41243136-41244335; plus strand). Cytogenetic location: 17q21.31.
Variant type: Deletion.
Coding change: c.3214del on transcript NM_007294.4 (MANE Select); coding-DNA position 3214, one base deleted (C; older notation c.3214delC).
Protein change: p.Glu1071_Leu1072insTer.
Molecular consequence: nonsense. On other transcripts: intron variant (137).
Genome position (GRCh38, 1-based): chr17:43,092,317, G deleted on the plus strand (C on the coding strand, the reverse complement: BRCA1 is on the minus strand). VCF-style (leftmost placement, unchanged base first): chr17-43092316-AG-A. GRCh37 (hg19) VCF-style: chr17-41244333-AG-A.
Other names: 3333delC; 333delC; c.3073del, p.Glu1024_Leu1025insTer (NM_001407696.1, NM_001407697.1, NM_001407698.1 and 29 more transcripts); c.3070del, p.Glu1023_Leu1024insTer (NM_001407740.1, NM_001407741.1, NM_001407742.1 and 20 more transcripts); c.3001del, p.Glu1000_Leu1001insTer (NM_001407853.1, NM_001407894.1, NM_001407895.1 and 9 more transcripts); c.3214del, p.Glu1071_Leu1072insTer (NM_001407854.1, NM_001407858.1, NM_001407859.1 and 30 more transcripts); c.3211del, p.Glu1070_Leu1071insTer (NM_001407860.1, NM_001407861.1, NM_001407587.1 and 22 more transcripts); c.3013del, p.Glu1004_Leu1005insTer (NM_001407862.1); and 43 more.
Identifiers: ClinVar variation 54798 (VCV000054798.17), dbSNP rs80357923, ClinGen allele CA002084.